The following is an entry in ClinVar:

ClinVar aggregate classification (germline): Benign. Review status: criteria provided, multiple submitters, no conflicts (2 of 4 stars). 2 submissions from 2 submitters: Benign (2). Last evaluated 2016-03-29.

Allele frequency attached by ClinVar (database versions not stated): 1000 Genomes Project 0.64058; 1000 Genomes Project 30x 0.64975; gnomAD exomes 0.73366 and 0.80915; ExAC 0.74149; TOPMed 0.81077; gnomAD 0.81561 and 0.83436; ESP Exome Variant Server 0.85983.
gnomAD v4.1: 1,298,584 of 1,604,602 alleles (81%); highest among the groups gnomAD compares: African/African-American, 88%; 539,190 homozygotes.

Submissions (2):

Laboratory for Molecular Medicine, Mass General Brigham Personalized Medicine
Classification: Benign. Last evaluated: 2016-03-29. Review status: criteria provided, single submitter. Criteria: LMM Criteria. Collection method: clinical testing. Allele origin: germline.
Comment: Variant identified in a genome or exome case(s) and assessed due to predicted null impact of the variant or pathogenic assertions in the literature or databases. Disclaimer: This variant has not undergone full assessment. The following are preliminary notes: Frequency

Breakthrough Genomics
Classification: Benign. Review status: criteria provided, single submitter. Criteria: ACMG Guidelines, 2015. Collection method: not provided. Allele origin: germline. Inheritance: Autosomal recessive inheritance. Affected: yes.

NM_197947.3(CLEC7A):c.*2A>G

Gene: CLEC7A (C-type lectin domain containing 7A; minus strand). Cytogenetic location: 12p13.2.
Variant type: single nucleotide variant.
Coding change: c.*2A>G on transcript NM_197947.3 (MANE Select); 2 bases downstream of the stop codon, A replaced by G.
Molecular consequence: 3 prime UTR variant. On other transcripts: non-coding transcript variant (1).
Genome position (GRCh38, 1-based): chr12:10,118,456, T>C on the plus strand (A>G on the coding strand, the complement: CLEC7A is on the minus strand). VCF-style: chr12-10118456-T-C. GRCh37 (hg19) VCF-style: chr12-10271055-T-C.
Other names: c.*2A>G (NM_022570.5, NM_197950.3); c.*57A>G (NM_197948.3, NM_197949.3).
Identifiers: ClinVar variation 402543 (VCV000402543.5), dbSNP rs7959451, ClinGen allele CA6443879.